The following is an entry in ClinVar:

ClinVar aggregate classification (germline): Pathogenic. Review status: criteria provided, multiple submitters, no conflicts (2 of 4 stars). 2 submissions from 2 submitters: Pathogenic (2). Last evaluated 2021-12-07.

Conditions:
Microcephaly, normal intelligence and immunodeficiency (NBS). Also called: BERLIN BREAKAGE SYNDROME; Immunodeficiency, microcephaly with normal intelligence; Ataxia telangiectasia variant V1; Nijmegen breakage syndrome; Microcephaly with normal intelligence immunodeficiency and lymphoreticular malignancies; Nonsyndromal microcephaly autosomal recessive with normal intelligence. Identifiers: Orphanet 647, MedGen C0398791, MONDO:0009623, OMIM 251260.
Hereditary cancer-predisposing syndrome. Also called: Hereditary neoplastic syndrome; Neoplastic Syndromes, Hereditary; Hereditary Cancer Syndrome; Tumor predisposition. Identifiers: Orphanet 140162, MedGen C0027672, MeSH D009386, MONDO:0015356.

Submissions (2):

Labcorp Genetics (formerly Invitae), Labcorp
Classification: Pathogenic for Microcephaly, normal intelligence and immunodeficiency. Last evaluated: 2021-12-07. Review status: criteria provided, single submitter. Criteria: Invitae Variant Classification Sherloc (09022015). Collection method: clinical testing. Allele origin: germline.
Comment: For these reasons, this variant has been classified as Pathogenic. ClinVar contains an entry for this variant (Variation ID: 572817). This variant has not been reported in the literature in individuals affected with NBN-related conditions. This variant is not present in population databases (gnomAD no frequency). This sequence change creates a premature translational stop signal (p.Arg590Lysfs*8) in the NBN gene. It is expected to result in an absent or disrupted protein product. Loss-of-function variants in NBN are known to be pathogenic (PMID: 9590180, 16415040).

Ambry Genetics
Classification: Pathogenic for Hereditary cancer-predisposing syndrome. Last evaluated: 2021-11-17. Review status: criteria provided, single submitter. Criteria: Ambry Variant Classification Scheme 2023. Collection method: clinical testing. Allele origin: germline.
Comment: The c.1769delG pathogenic mutation, located in coding exon 11 of the NBN gene, results from a deletion of one nucleotide at nucleotide position 1769, causing a translational frameshift with a predicted alternate stop codon (p.R590Kfs*8). This alteration is expected to result in loss of function by premature protein truncation or nonsense-mediated mRNA decay. As such, this alteration is interpreted as a disease-causing mutation.

Literature cited by the submitters: PubMed 9590180 (cited by Labcorp Genetics (formerly Invitae), Labcorp); PubMed 16415040 (cited by Labcorp Genetics (formerly Invitae), Labcorp).

NM_002485.5(NBN):c.1769del (p.Arg590fs)

Gene: NBN (nibrin; minus strand). Cytogenetic location: 8q21.3.
Variant type: Deletion.
Coding change: c.1769del on transcript NM_002485.5 (MANE Select); coding-DNA position 1769, one base deleted (G; older notation c.1769delG).
Protein change: p.Arg590fs; shifts the reading frame from arginine 590.
Molecular consequence: frameshift variant.
Genome position (GRCh38, 1-based): chr8:89,953,320, C deleted on the plus strand (G on the coding strand, the reverse complement: NBN is on the minus strand). VCF-style (leftmost placement, unchanged base first): chr8-89953319-TC-T. GRCh37 (hg19) VCF-style: chr8-90965547-TC-T.
Other names: c.1523del, p.Arg508fs (NM_001024688.3); c.1769delG (NM_002485.4); short protein forms R508fs, R590fs.
Identifiers: ClinVar variation 572817 (VCV000572817.13), dbSNP rs1563525004, ClinGen allele CA891842838.